The following is an entry in ClinVar:

ClinVar aggregate classification (germline): Uncertain significance. Review status: criteria provided, multiple submitters, no conflicts (2 of 4 stars). 2 submissions from 2 submitters: Uncertain significance (2). Last evaluated 2025-08-04.

Conditions:
Familial melanoma. Also called: Hereditary melanoma; Hereditary cutaneous melanoma. Identifiers: Orphanet 618, MedGen C1512419, MONDO:0018961.
Hereditary cancer-predisposing syndrome. Also called: Hereditary Cancer Syndrome; Neoplastic Syndromes, Hereditary; Hereditary neoplastic syndrome; Tumor predisposition. Identifiers: Orphanet 140162, MedGen C0027672, MeSH D009386, MONDO:0015356.

Allele frequency attached by ClinVar (database versions not stated): gnomAD exomes below 0.00001; TOPMed below 0.00001.
gnomAD v4.1: 2 of 1,604,510 alleles (0.00012%); highest among the groups gnomAD compares: African/African-American, 0.0013%; no homozygotes.

Submissions (2):

Ambry Genetics
Classification: Uncertain significance for Hereditary cancer-predisposing syndrome. Last evaluated: 2025-08-04. Review status: criteria provided, single submitter. Criteria: Ambry Variant Classification Scheme 2023. Collection method: clinical testing. Allele origin: germline.
Comment: The c.252C>T variant (also known as p.D84D), located in coding exon 2 of the CDKN2A gene, results from a C to T substitution at nucleotide position 252. This nucleotide substitution does not change the amino acid at codon 84 of the p16 isoform. Of note, this variant is also known as c.295C>T (p.R99C)in the p14(ARF) isoform and results from an arginine to cysteine substitution at amino acid position 99. The evidence supporting a relationship between p14(ARF) and melanoma-pancreatic cancer syndrome is limited; therefore, the association of this variant with this gene-disease relationship is unknown. However, the association of this variant in the p16 isoform with melanoma-pancreatic cancer syndrome is unlikely.

Labcorp Genetics (formerly Invitae), Labcorp
Classification: Uncertain significance for Familial melanoma. Last evaluated: 2021-09-16. Review status: criteria provided, single submitter. Criteria: Invitae Variant Classification Sherloc (09022015). Collection method: clinical testing. Allele origin: germline.

NM_000077.5(CDKN2A):c.252C>T (p.Asp84=)

Gene: CDKN2A (cyclin dependent kinase inhibitor 2A; minus strand). Cytogenetic location: 9p21.3.
Variant type: single nucleotide variant.
Coding change: c.252C>T on transcript NM_000077.5; coding-DNA position 252, C replaced by T.
Protein change: p.Asp84=; no amino-acid change (aspartic acid 84 retained).
Molecular consequence: synonymous variant (on NM_000077.6). On other transcripts: missense variant (1), 3 prime UTR variant (1).
Genome position (GRCh38, 1-based): chr9:21,971,107, G>A on the plus strand (C>T on the coding strand, the complement: CDKN2A is on the minus strand). VCF-style: chr9-21971107-G-A. GRCh37 (hg19) VCF-style: chr9-21971106-G-A.
Other names: c.252C>T, p.Asp84= (NM_000077.6, NM_001195132.2); c.99C>T, p.Asp33= (NM_001363763.2); c.295C>T, p.Arg99Cys (NM_058195.4); c.*175C>T (NM_058197.5); short protein forms R99C.
Identifiers: ClinVar variation 845901 (VCV000845901.8), dbSNP rs1472715728, ClinGen allele CA373086228.